The following is an entry in ClinVar:

ClinVar aggregate classification (germline): Benign. Review status: criteria provided, multiple submitters, no conflicts (2 of 4 stars). 11 submissions from 10 submitters: Benign (7). 4 of the submissions do not count toward it. Last evaluated 2026-02-03.

Conditions:
Optic atrophy 9 (OPA9). Identifiers: MedGen C4225384, MONDO:0014571, OMIM 616289.
Infantile cerebellar-retinal degeneration (ICRD). Identifiers: Orphanet 313850, MedGen C3281192, MONDO:0013802, OMIM 614559.

Allele frequency attached by ClinVar (database versions not stated): gnomAD 0.29737 and 0.29094; TOPMed 0.32051; ExAC 0.32105; gnomAD exomes 0.33446 and 0.24267; 1000 Genomes Project 0.41833; 1000 Genomes Project 30x 0.41896; ESP Exome Variant Server 0.25796.
gnomAD v4.1: 402,000 of 1,613,368 alleles (25%); highest among the groups gnomAD compares: Admixed American, 59%; 58,833 homozygotes.

Submissions (11):

Labcorp Genetics (formerly Invitae), Labcorp
Classification: Benign. Last evaluated: 2026-02-03. Review status: criteria provided, single submitter. Criteria: Invitae Variant Classification Sherloc (09022015). Collection method: clinical testing. Allele origin: germline.

Blueprint Genetics
Classification: Benign. Last evaluated: 2024-11-28. Review status: criteria provided, single submitter. Criteria: ACMG Guidelines, 2015. Collection method: clinical testing. Allele origin: germline.

Genome-Nilou Lab
Classification: Benign for Optic atrophy 9. Last evaluated: 2021-07-14. Review status: criteria provided, single submitter. Criteria: ACMG Guidelines, 2015. Collection method: clinical testing. Allele origin: germline. Affected: no.

Genome-Nilou Lab
Classification: Benign for Infantile cerebellar-retinal degeneration. Last evaluated: 2021-07-14. Review status: criteria provided, single submitter. Criteria: ACMG Guidelines, 2015. Collection method: clinical testing. Allele origin: germline. Affected: no.

GeneDx
Classification: Benign. Last evaluated: 2013-10-24. Review status: criteria provided, single submitter. Criteria: GeneDx Variant Classification (06012015). Collection method: clinical testing. Allele origin: germline. Affected: yes.
Comment: This variant is considered likely benign or benign based on one or more of the following criteria: it is a conservative change, it occurs at a poorly conserved position in the protein, it is predicted to be benign by multiple in silico algorithms, and/or has population frequency not consistent with disease.

Breakthrough Genomics
Classification: Benign. Review status: criteria provided, single submitter. Criteria: ACMG Guidelines, 2015. Collection method: not provided. Allele origin: germline. Inheritance: Autosomal recessive inheritance. Affected: yes.

PreventionGenetics, part of Exact Sciences
Classification: Benign. Review status: criteria provided, single submitter. Criteria: ACMG Guidelines, 2015. Collection method: clinical testing. Allele origin: germline.

Mayo Clinic Laboratories, Mayo Clinic
Classification: Benign. Last evaluated: 2016-02-23. Review status: no assertion criteria provided. Collection method: clinical testing. Allele origin: unknown. Not counted in ClinVar's aggregate classification.

Diagnostic Laboratory, Department of Genetics, University Medical Center Groningen
Classification: Benign. Review status: no assertion criteria provided. Collection method: clinical testing. Allele origin: germline. Affected: yes. Study: VKGL Data-share Consensus. Not counted in ClinVar's aggregate classification.

Genetic Services Laboratory, University of Chicago
Classification: Likely benign for AllHighlyPenetrant. Review status: no assertion criteria provided. Collection method: clinical testing. Allele origin: germline. Inheritance: Autosomal recessive inheritance. Not counted in ClinVar's aggregate classification.
Comment: Likely benign based on allele frequency in 1000 Genomes Project or ESP global frequency and its presence in a patient with a rare or unrelated disease phenotype. NOT Sanger confirmed.

Joint Genome Diagnostic Labs from Nijmegen and Maastricht, Radboudumc and MUMC+
Classification: Benign. Review status: no assertion criteria provided. Collection method: clinical testing. Allele origin: germline. Affected: yes. Study: VKGL Data-share Consensus. Not counted in ClinVar's aggregate classification.

NM_001098.3(ACO2):c.192A>C (p.Thr64=)

Gene: ACO2 (aconitase 2; plus strand). Cytogenetic location: 22q13.2.
Variant type: single nucleotide variant.
Coding change: c.192A>C on transcript NM_001098.3 (MANE Select); coding-DNA position 192, A replaced by C.
Protein change: p.Thr64=; no amino-acid change (threonine 64 retained).
Molecular consequence: synonymous variant.
Genome position (GRCh38, 1-based): chr22:41,507,809, A>C. VCF-style: chr22-41507809-A-C. GRCh37 (hg19) VCF-style: chr22-41903813-A-C.
Other names: p.T64T:ACA>ACC.
Identifiers: ClinVar variation 128256 (VCV000128256.28), dbSNP rs137831, ClinGen allele CA288662.